The following is an entry in ClinVar:

NM_002601.4(PDE6D):c.181C>T (p.Arg61Ter)

Gene: PDE6D (phosphodiesterase 6D; minus strand). Cytogenetic location: 2q37.1.
Variant type: single nucleotide variant.
Coding change: c.181C>T on transcript NM_002601.4 (MANE Select); coding-DNA position 181, C replaced by T.
Protein change: p.Arg61Ter; replaces arginine 61 with a stop codon.
Molecular consequence: nonsense.
Genome position (GRCh38, 1-based): chr2:231,738,097, G>A on the plus strand (C>T on the coding strand, the complement: PDE6D is on the minus strand). VCF-style: chr2-231738097-G-A. GRCh37 (hg19) VCF-style: chr2-232602807-G-A.
Other names: c.181C>T, p.Arg61Ter (NM_001291018.2); short protein forms R61*.
Identifiers: ClinVar variation 2181645 (VCV002181645.4), dbSNP rs536550976, ClinGen allele CA2163228.

ClinVar aggregate classification (germline): Pathogenic (1 of 4 stars; one submission).

Conditions:
Joubert syndrome 22 (JBTS22). Identifiers: Orphanet 2754, MedGen C3810278, MONDO:0014297, OMIM 615665.

Allele frequency attached by ClinVar (database versions not stated): gnomAD exomes below 0.00001; TOPMed below 0.00001; ExAC 0.00001; gnomAD 0.00001; 1000 Genomes Project 30x 0.00016; 1000 Genomes Project 0.00020.
gnomAD v4.1: 7 of 1,613,748 alleles (0.00043%); highest among the groups gnomAD compares: Admixed American, 0.0017%; no homozygotes.

Submission:

Labcorp Genetics (formerly Invitae), Labcorp
Classification: Pathogenic for Joubert syndrome 22. Last evaluated: 2022-07-23. Review status: criteria provided, single submitter. Criteria: Invitae Variant Classification Sherloc (09022015). Collection method: clinical testing. Allele origin: germline.
Comment: This sequence change creates a premature translational stop signal (p.Arg61*) in the PDE6D gene. It is expected to result in an absent or disrupted protein product. Loss-of-function variants in PDE6D are known to be pathogenic (PMID: 17496142, 24166846). For these reasons, this variant has been classified as Pathogenic. Algorithms developed to predict the effect of sequence changes on RNA splicing suggest that this variant may disrupt the consensus splice site. This variant has not been reported in the literature in individuals affected with PDE6D-related conditions. This variant is present in population databases (rs536550976, gnomAD 0.003%).

Literature cited by the submitters: PubMed 17496142; PubMed 24166846.